The following is an entry in ClinVar:

NM_004667.6(HERC2):c.3629T>C (p.Ile1210Thr)

Gene: HERC2 (HECT and RLD domain containing E3 ubiquitin protein ligase 2; minus strand). Cytogenetic location: 15q13.1.
Variant type: single nucleotide variant.
Coding change: c.3629T>C on transcript NM_004667.6 (MANE Select); coding-DNA position 3629, T replaced by C.
Protein change: p.Ile1210Thr; replaces isoleucine 1210 with threonine.
Molecular consequence: missense variant.
Genome position (GRCh38, 1-based): chr15:28,238,721, A>G on the plus strand (T>C on the coding strand, the complement: HERC2 is on the minus strand). VCF-style: chr15-28238721-A-G. GRCh37 (hg19) VCF-style: chr15-28483867-A-G.
Other names: short protein forms I1210T.
Identifiers: ClinVar variation 520875 (VCV000520875.9), dbSNP rs545686064, ClinGen allele CA7442856.
Genomic context (GRCh38, chr15:28,238,721, plus strand): 5'-CCGTCAATCACAGTCCAGAAGCCTCCATCTTTATTATGGTTCTCCAAATCAGCTTTGCGT[A>G]TAAGTGTCACTTCCTCATTATTTCTACAGTTCTGACCTGTAAAAAATGACTCTGTATATA-3'
Protein context (NP_004658.3, residues 1200-1220): NCRNNEEVTL[Ile1210Thr]RKADLENHNK

ClinVar aggregate classification (germline): Uncertain significance. Review status: criteria provided, multiple submitters, no conflicts (2 of 4 stars). 2 submissions from 2 submitters: Uncertain significance (2). Last evaluated 2025-06-05.

Conditions:
Inborn genetic diseases. Identifiers: MedGen C0950123, MeSH D030342.

Allele frequency attached by ClinVar (database versions not stated): gnomAD exomes 0.00007 and 0.00004; 1000 Genomes Project 0.00020; 1000 Genomes Project 30x 0.00031; gnomAD 0.00004; TOPMed 0.00006; ExAC 0.00007.
gnomAD v4.1: 69 of 1,611,584 alleles (0.0043%); highest among the groups gnomAD compares: Admixed American, 0.017%; no homozygotes.

Submissions (2):

GeneDx
Classification: Uncertain significance. Last evaluated: 2025-06-05. Review status: criteria provided, single submitter. Criteria: GeneDx Variant Classification Process June 2021. Collection method: clinical testing. Allele origin: germline. Affected: yes.
Comment: In silico analysis supports that this missense variant has a deleterious effect on protein structure/function; Has not been previously published as pathogenic or benign to our knowledge

Ambry Genetics
Classification: Uncertain significance for Inborn genetic diseases. Last evaluated: 2015-11-09. Review status: criteria provided, single submitter. Criteria: Ambry exome assertion method (8-5-2015). Collection method: clinical testing. Allele origin: germline. Affected: yes. Observed: 1 variant allele.